The following is an entry in ClinVar:

NM_007194.4(CHEK2):c.1423_1445del (p.Phe475fs)

Gene: CHEK2 (checkpoint kinase 2; minus strand). Cytogenetic location: 22q12.1.
Variant type: Deletion.
Coding change: c.1423_1445del on transcript NM_007194.4 (MANE Select); coding-DNA positions 1423 to 1445, 23 bases deleted (TTTACGACAGAAGAAGCCTTAAG).
Protein change: p.Phe475fs; shifts the reading frame from phenylalanine 475.
Molecular consequence: frameshift variant.
Genome position (GRCh38, 1-based): chr22:28,694,048-28,694,070, CTTAAGGCTTCTTCTGTCGTAAA deleted on the plus strand (TTTACGACAGAAGAAGCCTTAAG on the coding strand, the reverse complement: CHEK2 is on the minus strand). VCF-style (leftmost placement, unchanged base first): chr22-28694047-TCTTAAGGCTTCTTCTGTCGTAAA-T. GRCh37 (hg19) VCF-style: chr22-29090035-TCTTAAGGCTTCTTCTGTCGTAAA-T.
Other names: c.1552_1574del23, p.Phe518Thrfs (NM_001005735.3); c.760_782del23, p.Phe254Thrfs (NM_001257387.3); c.1222_1244del23, p.Phe408Thrfs (NM_001349956.3); c.1336_1358del23, p.Phe446Thrfs (NM_145862.3); short protein forms F408fs, F446fs, F475fs, F254fs, F518fs.
Identifiers: ClinVar variation 3647387 (VCV003647387.2).

ClinVar aggregate classification (germline): Pathogenic (1 of 4 stars; one submission).

Conditions:
Familial cancer of breast. Also called: hereditary breast carcinoma; BREAST CANCER, FAMILIAL; Hereditary breast cancer. Identifiers: Orphanet 227535, MedGen C0346153, MONDO:0016419, OMIM 114480. Disease mechanism: loss of function.

Submission:

Labcorp Genetics (formerly Invitae), Labcorp
Classification: Pathogenic for Familial cancer of breast. Last evaluated: 2024-03-23. Review status: criteria provided, single submitter. Criteria: Invitae Variant Classification Sherloc (09022015). Collection method: clinical testing. Allele origin: germline.
Comment: This sequence change creates a premature translational stop signal (p.Phe475Thrfs*7) in the CHEK2 gene. It is expected to result in an absent or disrupted protein product. Loss-of-function variants in CHEK2 are known to be pathogenic (PMID: 21876083, 24713400). This variant is not present in population databases (gnomAD no frequency). This variant has not been reported in the literature in individuals affected with CHEK2-related conditions. For these reasons, this variant has been classified as Pathogenic.

Literature cited by the submitters: PubMed 21876083; PubMed 24713400.